The following is an entry in ClinVar:

NM_004364.5(CEBPA):c.503A>T (p.Asp168Val)

Gene: CEBPA (CCAAT enhancer binding protein alpha; minus strand). Cytogenetic location: 19q13.11.
Variant type: single nucleotide variant.
Coding change: c.503A>T on transcript NM_004364.5 (MANE Select); coding-DNA position 503, A replaced by T.
Protein change: p.Asp168Val; replaces aspartic acid 168 with valine.
Molecular consequence: missense variant.
Genome position (GRCh38, 1-based): chr19:33,301,912, T>A on the plus strand (A>T on the coding strand, the complement: CEBPA is on the minus strand). VCF-style: chr19-33301912-T-A. GRCh37 (hg19) VCF-style: chr19-33792818-T-A.
Other names: c.146A>T, p.Asp49Val (NM_001285829.2); c.608A>T, p.Asp203Val (NM_001287424.2); c.461A>T, p.Asp154Val (NM_001287435.2); c.503A>T (NM_004364.3); short protein forms D154V, D49V, D168V, D203V.
Identifiers: ClinVar variation 1398831 (VCV001398831.8), dbSNP rs2145261721, ClinGen allele CA405274812.
Genomic context (GRCh38, chr19:33,301,912, plus strand): 5'-GGCGGCGGCGGCGGCGGCTGGTAAGGGAAGAGGCCGGCCAGCGCCAGCTGCTTGGCTTCA[T>A]CCTCCTCGCGGGGCTCCTGCTTGATCACCAGCGGCCGCAGCGCCGGCGCCCCGACGCGCT-3'
Protein context (NP_004355.2, residues 158-178): LVIKQEPREE[Asp168Val]EAKQLALAGL

ClinVar aggregate classification (germline): Conflicting classifications of pathogenicity. Review status: criteria provided, conflicting classifications (1 of 4 stars). 2 submissions from 2 submitters: Uncertain significance (1); Likely benign (1). Last evaluated 2025-01-22.

Conditions:
Inborn genetic diseases. Identifiers: MedGen C0950123, MeSH D030342.
Acute myeloid leukemia (AML). Also called: Leukemia, acute myeloid, somatic; Leukemia, acute myelogenous, somatic; Acute myeloid leukemia, adult; AML adult; Acute non-lymphocytic leukemia; Acute granulocytic leukemia. Identifiers: Orphanet 519, MedGen C0023467, MeSH D015470, MONDO:0018874, OMIM 601626, HP:0004808. Disease mechanism: Constitutively activated FLT3.

gnomAD v4.1: 1 of 1,188,888 alleles (0.000084%); highest among the groups gnomAD compares: Middle Eastern, 0.035%; no homozygotes.

Submissions (2):

Ambry Genetics
Classification: Likely benign for Inborn genetic diseases. Last evaluated: 2025-01-22. Review status: criteria provided, single submitter. Criteria: Ambry Variant Classification Scheme 2023. Collection method: clinical testing. Allele origin: germline.

Labcorp Genetics (formerly Invitae), Labcorp
Classification: Uncertain significance for Acute myeloid leukemia. Last evaluated: 2023-10-04. Review status: criteria provided, single submitter. Criteria: Invitae Variant Classification Sherloc (09022015). Collection method: clinical testing. Allele origin: germline.
Comment: This sequence change replaces aspartic acid, which is acidic and polar, with valine, which is neutral and non-polar, at codon 168 of the CEBPA protein (p.Asp168Val). This variant is not present in population databases (gnomAD no frequency). This variant has not been reported in the literature in individuals affected with CEBPA-related conditions. ClinVar contains an entry for this variant (Variation ID: 1398831). Advanced modeling of protein sequence and biophysical properties (such as structural, functional, and spatial information, amino acid conservation, physicochemical variation, residue mobility, and thermodynamic stability) performed at Invitae indicates that this missense variant is not expected to disrupt CEBPA protein function. In summary, the available evidence is currently insufficient to determine the role of this variant in disease. Therefore, it has been classified as a Variant of Uncertain Significance.